The following is an entry in ClinVar:

ClinVar aggregate classification (germline): Pathogenic (1 of 4 stars; one submission).

Conditions:
Asphyxiating thoracic dystrophy 3. Also called: SHORT-RIB THORACIC DYSPLASIA 3 WITH OR WITHOUT POLYDACTYLY; POLYDACTYLY WITH NEONATAL CHONDRODYSTROPHY, TYPE I; SHORT-RIB THORACIC DYSPLASIA 3/6 WITH POLYDACTYLY, DIGENIC; Short rib polydactyly syndrome 2B; Saldino-Noonan Syndrome. Identifiers: Orphanet 474, Orphanet 93269, Orphanet 93270, Orphanet 93271, MedGen C0036069, MONDO:0013127, OMIM 613091.

Submission:

Myriad Genetics, Inc.
Classification: Pathogenic for Asphyxiating thoracic dystrophy 3. Last evaluated: 2026-03-25. Review status: criteria provided, single submitter. Criteria: Myriad Autosomal Dominant, Autosomal Recessive and X-Linked Classification Criteria (2023). Collection method: clinical testing. Allele origin: unknown.
Comment: NM_001377.2(DYNC2H1):c.4039A>T(R1347*) is expected to be pathogenic in the context of DYNC2H1-related disorders. This variant is predicted to lead to an abnormal or absent protein product due to the creation of a premature termination codon in DYNC2H1, a gene where loss-of-function variants are known to be pathogenic. Please note: this variant was assessed in the context of healthy population screening.

NM_001377.3(DYNC2H1):c.4039A>T (p.Arg1347Ter)

Gene: DYNC2H1 (dynein cytoplasmic 2 heavy chain 1; plus strand). Cytogenetic location: 11q22.3.
Variant type: single nucleotide variant.
Coding change: c.4039A>T on transcript NM_001377.3 (MANE Select); coding-DNA position 4039, A replaced by T.
Protein change: p.Arg1347Ter; replaces arginine 1347 with a stop codon.
Molecular consequence: nonsense.
Genome position (GRCh38, 1-based): chr11:103,156,682, A>T. VCF-style: chr11-103156682-A-T. GRCh37 (hg19) VCF-style: chr11-103027411-A-T.
Other names: c.4039A>T, p.Arg1347Ter (NM_001080463.2); short protein forms R1347*.
Identifiers: ClinVar variation 5015732 (VCV005015732.1).